The following is an entry in ClinVar:

NM_004260.4(RECQL4):c.3443C>T (p.Ser1148Phe)

Gene: RECQL4 (RecQ like helicase 4; minus strand). Cytogenetic location: 8q24.3.
Variant type: single nucleotide variant.
Coding change: c.3443C>T on transcript NM_004260.4 (MANE Select); coding-DNA position 3443, C replaced by T.
Protein change: p.Ser1148Phe; replaces serine 1148 with phenylalanine.
Molecular consequence: missense variant.
Genome position (GRCh38, 1-based): chr8:144,511,740, G>A on the plus strand (C>T on the coding strand, the complement: RECQL4 is on the minus strand). VCF-style: chr8-144511740-G-A. GRCh37 (hg19) VCF-style: chr8-145737123-G-A.
Other names: short protein forms S1148F.
Identifiers: ClinVar variation 135153 (VCV000135153.59), dbSNP rs35346077, ClinGen allele CA161863.

ClinVar aggregate classification (germline): Conflicting classifications of pathogenicity. Review status: criteria provided, conflicting classifications (1 of 4 stars). 10 submissions from 10 submitters: Uncertain significance (1); Benign (2); Likely benign (4). 3 of the submissions do not count toward it. Last evaluated 2026-09-01.

Conditions:
Hereditary cancer-predisposing syndrome. Also called: Neoplastic Syndromes, Hereditary; Tumor predisposition; Hereditary neoplastic syndrome; Hereditary Cancer Syndrome. Identifiers: Orphanet 140162, MedGen C0027672, MeSH D009386, MONDO:0015356.
Baller-Gerold syndrome (BGS). Also called: CRANIOSYNOSTOSIS WITH RADIAL DEFECTS. Identifiers: Orphanet 1225, MedGen C0265308, MONDO:0009039, OMIM 218600.

Allele frequency attached by ClinVar (database versions not stated): 1000 Genomes Project 30x 0.00062; 1000 Genomes Project 0.00080; ESP Exome Variant Server 0.00109; TOPMed 0.00116; gnomAD 0.00119 and 0.00123; gnomAD exomes 0.00141 and 0.00212; ExAC 0.00154.
gnomAD v4.1: 3,253 of 1,612,600 alleles (0.2%); highest among the groups gnomAD compares: Non-Finnish European, 0.25%; 3 homozygotes.

Submissions (10):

CeGaT Center for Human Genetics Tuebingen
Classification: Likely benign. Last evaluated: 2026-09-01. Review status: criteria provided, single submitter. Criteria: CeGaT Center For Human Genetics Tuebingen Variant Classification Criteria Version 2. Collection method: clinical testing. Allele origin: germline. Affected: yes. Observed: 3 variant alleles.
Comment: RECQL4: BP4, BS2

Labcorp Genetics (formerly Invitae), Labcorp
Classification: Benign for Baller-Gerold syndrome. Last evaluated: 2026-02-04. Review status: criteria provided, single submitter. Criteria: Invitae Variant Classification Sherloc (09022015). Collection method: clinical testing. Allele origin: germline.

Blueprint Genetics
Classification: Likely benign. Last evaluated: 2024-11-23. Review status: criteria provided, single submitter. Criteria: ACMG Guidelines, 2015. Collection method: clinical testing. Allele origin: germline.

Institute for Clinical Genetics, University Hospital TU Dresden, University Hospital TU Dresden
Classification: Uncertain significance. Last evaluated: 2021-11-03. Review status: criteria provided, single submitter. Criteria: ACMG Guidelines, 2015. Collection method: clinical testing. Allele origin: germline.

Sema4
Classification: Likely benign for Hereditary cancer-predisposing syndrome. Last evaluated: 2021-04-04. Review status: criteria provided, single submitter. Criteria: Sema4 Curation Guidelines. Collection method: curation. Allele origin: germline.

GeneDx
Classification: Benign. Last evaluated: 2020-12-14. Review status: criteria provided, single submitter. Criteria: GeneDx Variant Classification Process June 2021. Collection method: clinical testing. Allele origin: germline. Affected: yes.

Genetic Services Laboratory, University of Chicago
Classification: Likely benign. Last evaluated: 2016-08-16. Review status: criteria provided, single submitter. Criteria: ACMG Guidelines, 2015. Collection method: clinical testing. Allele origin: germline. Affected: no.

ITMI
No classification provided. Condition: AllHighlyPenetrant. Last evaluated: 2013-09-19. Review status: no classification provided. Collection method: reference population. Allele origin: germline. Not counted in ClinVar's aggregate classification.
Comment: Please see associated publication for description of ethnicities

Clinical Genetics DNA and cytogenetics Diagnostics Lab, Erasmus MC, Erasmus Medical Center
Classification: Likely benign. Review status: no assertion criteria provided. Collection method: clinical testing. Allele origin: germline. Affected: yes. Study: VKGL Data-share Consensus. Not counted in ClinVar's aggregate classification.

Laboratory of Diagnostic Genome Analysis, Leiden University Medical Center (LUMC)
Classification: Likely benign. Review status: no assertion criteria provided. Collection method: clinical testing. Allele origin: germline. Affected: yes. Study: VKGL Data-share Consensus. Not counted in ClinVar's aggregate classification.

Literature cited by the submitters: PubMed 24728327 (cited by ITMI).